The following is an entry in ClinVar:

NM_153033.5(KCTD7):c.614C>T (p.Pro205Leu)

Gene: KCTD7 (potassium channel tetramerization domain containing 7; plus strand). Cytogenetic location: 7q11.21.
Variant type: single nucleotide variant.
Coding change: c.614C>T on transcript NM_153033.5 (MANE Select); coding-DNA position 614, C replaced by T.
Protein change: p.Pro205Leu; replaces proline 205 with leucine.
Molecular consequence: missense variant.
Genome position (GRCh38, 1-based): chr7:66,638,976, C>T. VCF-style: chr7-66638976-C-T. GRCh37 (hg19) VCF-style: chr7-66103963-C-T.
Other names: c.614C>T, p.Pro205Leu (NM_001167961.2); c.614C>T (NM_153033.4); short protein forms P205L.
Identifiers: ClinVar variation 1006481 (VCV001006481.9), dbSNP rs151338966, ClinGen allele CA4278303.

ClinVar aggregate classification (germline): Uncertain significance. Review status: criteria provided, multiple submitters, no conflicts (2 of 4 stars). 3 submissions from 3 submitters: Uncertain significance (3). Last evaluated 2025-10-21.

Conditions:
Progressive myoclonic epilepsy type 3. Also called: EPILEPSY, PROGRESSIVE MYOCLONIC, 3, WITH OR WITHOUT INTRACELLULAR INCLUSIONS; CEROID LIPOFUSCINOSIS, NEURONAL, 14; EPILEPSY, PROGRESSIVE MYOCLONIC, 3, WITHOUT INTRACELLULAR INCLUSIONS; KCTD7-Related Progressive Myoclonic Epilepsy. Identifiers: Orphanet 263516, MedGen C2673257, MONDO:0012721, OMIM 611726.

Allele frequency attached by ClinVar (database versions not stated): TOPMed below 0.00001; ExAC 0.00002; gnomAD 0.00002; ESP Exome Variant Server 0.00008.
gnomAD v4.1: 35 of 1,614,056 alleles (0.0022%); highest among the groups gnomAD compares: African/African-American, 0.0027%; no homozygotes.

Submissions (3):

Women's Health and Genetics/Laboratory Corporation of America, LabCorp
Classification: Uncertain significance. Last evaluated: 2025-10-21. Review status: criteria provided, single submitter. Criteria: LabCorp Variant Classification Summary - May 2015. Collection method: clinical testing. Allele origin: germline.
Comment: Variant summary: KCTD7 c.614C>T (p.Pro205Leu) results in a non-conservative amino acid change in the encoded protein sequence. Algorithms developed to predict the effect of missense changes on protein structure and function all suggest that this variant is likely to be disruptive. The variant allele was found at a frequency of 1.2e-05 in 251428 control chromosomes. The available data on variant occurrences in the general population are insufficient to allow any conclusion about variant significance. c.614C>T has been observed in an individual affected with progressive myoclonic eplilepsy, but with negative enzymatic testing for neuronal ceroid lipofuscinoses (Metz_2018). This report does not provide unequivocal conclusions about association of the variant with Neuronal Ceroid-Lipofuscinosis (Batten Disease). To our knowledge, no experimental evidence demonstrating an impact on protein function has been reported. The following publication have been ascertained in the context of this evaluation (PMID: 30295347). ClinVar contains an entry for this variant (Variation ID: 1006481). Based on the evidence outlined above, the variant was classified as uncertain significance.

Clinical Genetics Laboratory, Skane University Hospital Lund
Classification: Uncertain significance. Last evaluated: 2023-06-12. Review status: criteria provided, single submitter. Criteria: ACMG Guidelines, 2015. Collection method: clinical testing. Allele origin: germline. Affected: yes.

Labcorp Genetics (formerly Invitae), Labcorp
Classification: Uncertain significance for Progressive myoclonic epilepsy type 3. Last evaluated: 2022-09-01. Review status: criteria provided, single submitter. Criteria: Invitae Variant Classification Sherloc (09022015). Collection method: clinical testing. Allele origin: germline.
Comment: In summary, the available evidence is currently insufficient to determine the role of this variant in disease. Therefore, it has been classified as a Variant of Uncertain Significance. Algorithms developed to predict the effect of missense changes on protein structure and function are either unavailable or do not agree on the potential impact of this missense change (SIFT: "Deleterious"; PolyPhen-2: "Possibly Damaging"; Align-GVGD: "Class C15"). ClinVar contains an entry for this variant (Variation ID: 1006481). This missense change has been observed in individual(s) with clinical features of progressive myoclonic epilepsy (PMID: 30295347). This variant is present in population databases (rs151338966, gnomAD 0.003%). This sequence change replaces proline, which is neutral and non-polar, with leucine, which is neutral and non-polar, at codon 205 of the KCTD7 protein (p.Pro205Leu).

Literature cited by the submitters: PubMed 30295347 (cited by Women's Health and Genetics/Laboratory Corporation of America, LabCorp and Labcorp Genetics (formerly Invitae), Labcorp).